The following is an entry in ClinVar:

ClinVar aggregate classification (germline): Uncertain significance. Review status: criteria provided, multiple submitters, no conflicts (2 of 4 stars). 2 submissions from 2 submitters: Uncertain significance (2). Last evaluated 2024-11-14.

Conditions:
Inborn genetic diseases. Identifiers: MedGen C0950123, MeSH D030342.

Allele frequency attached by ClinVar (database versions not stated): gnomAD exomes 0.00001 and 0.00002; TOPMed 0.00005; ExAC 0.00006; gnomAD 0.00006.
gnomAD v4.1: 40 of 1,550,014 alleles (0.0026%); highest among the groups gnomAD compares: Non-Finnish European, 0.0032%; no homozygotes.

Submissions (2):

Ambry Genetics
Classification: Uncertain significance for Inborn genetic diseases. Last evaluated: 2024-11-14. Review status: criteria provided, single submitter. Criteria: Ambry Variant Classification Scheme 2023. Collection method: clinical testing. Allele origin: germline.

Labcorp Genetics (formerly Invitae), Labcorp
Classification: Uncertain significance. Last evaluated: 2024-06-24. Review status: criteria provided, single submitter. Criteria: Invitae Variant Classification Sherloc (09022015). Collection method: clinical testing. Allele origin: germline.
Comment: This sequence change replaces tyrosine, which is neutral and polar, with phenylalanine, which is neutral and non-polar, at codon 148 of the BEST1 protein (p.Tyr148Phe). This variant is present in population databases (rs760471818, gnomAD 0.01%). This variant has not been reported in the literature in individuals affected with BEST1-related conditions. ClinVar contains an entry for this variant (Variation ID: 1038359). Advanced modeling of protein sequence and biophysical properties (such as structural, functional, and spatial information, amino acid conservation, physicochemical variation, residue mobility, and thermodynamic stability) performed at Invitae indicates that this missense variant is expected to disrupt BEST1 protein function with a positive predictive value of 95%. In summary, the available evidence is currently insufficient to determine the role of this variant in disease. Therefore, it has been classified as a Variant of Uncertain Significance.

NM_004183.4(BEST1):c.443A>T (p.Tyr148Phe)

Gene: BEST1 (bestrophin 1; plus strand). Cytogenetic location: 11q12.3.
Variant type: single nucleotide variant.
Coding change: c.443A>T on transcript NM_004183.4 (MANE Select); coding-DNA position 443, A replaced by T.
Protein change: p.Tyr148Phe; replaces tyrosine 148 with phenylalanine.
Molecular consequence: missense variant. On other transcripts: non-coding transcript variant (1).
Genome position (GRCh38, 1-based): chr11:61,955,913, A>T. VCF-style: chr11-61955913-A-T. GRCh37 (hg19) VCF-style: chr11-61723385-A-T.
Other names: c.263A>T, p.Tyr88Phe (NM_001139443.3, NM_001300786.2, NM_001300787.2); c.125A>T, p.Tyr42Phe (NM_001363591.3); c.443A>T, p.Tyr148Phe (NM_001363592.2); c.-733A>T (NM_001363593.3); short protein forms Y42F, Y88F, Y148F.
Identifiers: ClinVar variation 1038359 (VCV001038359.9), dbSNP rs760471818, ClinGen allele CA6040752.
Genomic context (GRCh38, chr11:61,955,913, plus strand): 5'-TCATCCGCTACGCCAACCTGGGCAACGTGCTCATCCTGCGCAGCGTCAGCACCGCAGTCT[A>T]CAAGCGCTTCCCCAGCGCCCAGCACCTGGTGCAAGCAGGTGGGCGGACCGGGAGCAACGG-3'
Protein context (NP_004174.1, residues 138-158): LILRSVSTAV[Tyr148Phe]KRFPSAQHLV